The following is an entry in ClinVar:

NM_000070.3(CAPN3):c.2185-2A>G

Gene: CAPN3 (calpain 3; plus strand). Cytogenetic location: 15q15.1.
Variant type: single nucleotide variant.
Coding change: c.2185-2A>G on transcript NM_000070.3 (MANE Select); the canonical splice acceptor site of the intron before coding-DNA position 2185, A replaced by G.
Molecular consequence: splice acceptor variant.
Genome position (GRCh38, 1-based): chr15:42,410,586, A>G. VCF-style: chr15-42410586-A-G. GRCh37 (hg19) VCF-style: chr15-42702784-A-G.
Other names: c.2167-2A>G (NM_024344.2); c.1909-2A>G (NM_173087.2); c.649-2A>G (NM_173088.2); c.190-2A>G (NM_173090.2, NM_173089.2).
Identifiers: ClinVar variation 280039 (VCV000280039.17), dbSNP rs886041335, ClinGen allele CA501130.

ClinVar aggregate classification (germline): Pathogenic. Review status: criteria provided, multiple submitters, no conflicts (2 of 4 stars). 9 submissions from 9 submitters: Pathogenic (8). 1 of the submissions does not count toward it. Last evaluated 2024-11-11.

Conditions:
Muscular dystrophy, limb-girdle, autosomal dominant 4. Also called: Calpain-3-related limb-girdle muscular dystrophy D4; MUSCULAR DYSTROPHY, LIMB-GIRDLE, TYPE 1I. Identifiers: Orphanet 565909, MedGen C4748295, MONDO:0029133, OMIM 618129.
CAPN3-related disorder. Also called: CAPN3-related condition; CAPN3-related disorders. Identifiers: MedGen CN239245.
Autosomal recessive limb-girdle muscular dystrophy type 2A (LGMDR1). Also called: Muscular dystrophy, limb-girdle, type 2A, Amish; Limb-girdle muscular dystrophy, type 2A; Calpainopathy; LEYDEN-MOEBIUS MUSCULAR DYSTROPHY; MUSCULAR DYSTROPHY, PELVOFEMORAL. Identifiers: Orphanet 267, MedGen C1869123, MONDO:0009675, OMIM 253600. Disease mechanism: loss of function.

Allele frequency attached by ClinVar (database versions not stated): gnomAD exomes below 0.00001; TOPMed below 0.00001; gnomAD 0.00001.
gnomAD v4.1: 2 of 1,613,854 alleles (0.00012%); highest among the groups gnomAD compares: Non-Finnish European, 0.00017%; no homozygotes.

Submissions (9):

Blueprint Genetics
Classification: Pathogenic for CAPN3-related disorders. Last evaluated: 2024-11-11. Review status: criteria provided, single submitter. Criteria: ACMG Guidelines, 2015. Collection method: clinical testing. Allele origin: germline. Affected: yes. Observed: 4 variant alleles.

Natera, Inc.
Classification: Pathogenic for Limb-girdle muscular dystrophy type 2A. Last evaluated: 2024-09-16. Review status: criteria provided, single submitter. Criteria: Natera Variant Classification Schema (03/2026). Collection method: clinical testing. Allele origin: germline.
Comment: The c.2185-2A>G variant in CAPN3 is a canonical splice acceptor site variant predicted to affect pre-mRNA splicing, which may result in an abnormal transcript and altered protein product. This variant is expected to result in nonsense mediated decay, truncation, or a dysfunctional protein product. This variant is rare in the general population with a frequency below the threshold expected for the associated phenotype(s). This variant has been observed in one or more individuals affected with the associated recessive disease, as either homozygous or compound heterozygous with a second variant (PMID: 31069529). Given the available evidence, this variant is classified as Pathogenic.

Labcorp Genetics (formerly Invitae), Labcorp
Classification: Pathogenic for Autosomal recessive limb-girdle muscular dystrophy type 2A. Last evaluated: 2024-06-25. Review status: criteria provided, single submitter. Criteria: Invitae Variant Classification Sherloc (09022015). Collection method: clinical testing. Allele origin: germline.
Comment: This sequence change affects an acceptor splice site in intron 20 of the CAPN3 gene. It is expected to disrupt RNA splicing. Variants that disrupt the donor or acceptor splice site typically lead to a loss of protein function (PMID: 16199547), and loss-of-function variants in CAPN3 are known to be pathogenic (PMID: 10330340, 15689361). This variant is not present in population databases (gnomAD no frequency). Disruption of this splice site has been observed in individuals with clinical features of autosomal recessive limb-girdle muscular dystrophy (PMID: 10330340, 31069529; Invitae). ClinVar contains an entry for this variant (Variation ID: 280039). Algorithms developed to predict the effect of sequence changes on RNA splicing suggest that this variant may disrupt the consensus splice site. For these reasons, this variant has been classified as Pathogenic.

Baylor Genetics
Classification: Pathogenic for Muscular dystrophy, limb-girdle, autosomal dominant 4. Last evaluated: 2023-07-06. Review status: criteria provided, single submitter. Criteria: ACMG Guidelines, 2015. Collection method: clinical testing. Allele origin: unknown.

Revvity Omics, Revvity
Classification: Pathogenic. Last evaluated: 2021-12-31. Review status: criteria provided, single submitter. Criteria: ACMG Guidelines, 2015. Collection method: clinical testing. Allele origin: germline.

GeneDx
Classification: Pathogenic. Last evaluated: 2018-08-29. Review status: criteria provided, single submitter. Criteria: GeneDx Variant Classification (06012015). Collection method: clinical testing. Allele origin: germline. Affected: yes.
Comment: The c.2185-2 A>G splice site variant in the CAPN3 gene has been previously reported in association with limb-girdle muscular dystrophy (Richard et al., 1999; CAPN3 LOVD). This pathogenic variant destroys the canonical splice acceptor site in intron 20, and is expected to cause abnormal gene splicing. It was not observed in approximately 6,500 individuals of European and African American ancestry in the NHLBI Exome Sequencing Project, indicating it is not a common benign variant in these populations. Therefore, c.2185-2 A>G is considered a pathogenic variant.

Athena Diagnostics
Classification: Pathogenic. Last evaluated: 2016-12-30. Review status: criteria provided, single submitter. Criteria: Athena Diagnostics Criteria. Collection method: clinical testing. Allele origin: germline.

Eurofins Ntd Llc (ga)
Classification: Pathogenic. Last evaluated: 2016-10-17. Review status: criteria provided, single submitter. Criteria: EGL Classification Definitions 2015. Collection method: clinical testing. Allele origin: germline. Observed: 1 variant allele, 1 heterozygote.

Counsyl
Classification: Likely pathogenic for Autosomal recessive limb-girdle muscular dystrophy type 2A. Last evaluated: 2018-05-08. Review status: no assertion criteria provided. Collection method: clinical testing. Allele origin: unknown. Not counted in ClinVar's aggregate classification.

Literature cited by the submitters: PubMed 31069529 (cited by Natera, Inc. and Labcorp Genetics (formerly Invitae), Labcorp); PubMed 16199547 (cited by Labcorp Genetics (formerly Invitae), Labcorp); PubMed 10330340 (cited by 4 submitters); PubMed 15689361 (cited by Labcorp Genetics (formerly Invitae), Labcorp); PubMed 25525159 (cited by Athena Diagnostics); PubMed 27081656 (cited by Athena Diagnostics).